The following is an entry in ClinVar:

ClinVar aggregate classification (germline): Uncertain significance (1 of 4 stars; one submission).

Conditions:
ABCA2-related disorder. Also called: ABCA2-related condition.

Submission:

Genetics and Personalized Medicine Clinic, Tartu University Hospital
Classification: Uncertain significance for ABCA2-related disorder. Last evaluated: 2024-05-20. Review status: criteria provided, single submitter. Criteria: ACMG Guidelines, 2015. Collection method: research. Allele origin: germline. Affected: yes.
Comment: The c.2776C>T alteration is located in exon 20 of the ABCA2 gene and causes the amino acid change from Arg (R) to Trp (W) at the position of 926. This variant has not been previously reported in ClinVar and it is absent from gnomAD version 3.1.2. Currently, there is not enough evidence to consider this either pathogenic nor benign.

NM_001606.5(ABCA2):c.2776C>T (p.Arg926Trp)

Gene: ABCA2 (ATP binding cassette subfamily A member 2; minus strand). Cytogenetic location: 9q34.3.
Variant type: single nucleotide variant.
Coding change: c.2776C>T on transcript NM_001606.5 (MANE Select); coding-DNA position 2776, C replaced by T.
Protein change: p.Arg926Trp; replaces arginine 926 with tryptophan.
Molecular consequence: missense variant.
Genome position (GRCh38, 1-based): chr9:137,016,721, G>A on the plus strand (C>T on the coding strand, the complement: ABCA2 is on the minus strand). VCF-style: chr9-137016721-G-A. GRCh37 (hg19) VCF-style: chr9-139911173-G-A.
Other names: c.2773C>T, p.Arg925Trp (NM_001411042.1); c.2866C>T, p.Arg956Trp (NM_212533.3); short protein forms R925W, R926W, R956W.
Identifiers: ClinVar variation 3362789 (VCV003362789.1).